The following is an entry in ClinVar:

ClinVar aggregate classification (germline): Uncertain significance. Review status: criteria provided, multiple submitters, no conflicts (2 of 4 stars). 3 submissions from 3 submitters: Uncertain significance (3). Last evaluated 2022-04-15.

Conditions:
Autosomal recessive limb-girdle muscular dystrophy type 2L (LGMDR12). Also called: Limb-girdle muscular dystrophy, type 2L; Limb-Girdle Muscular Dystrophy R12 Anoctamin-5-Related (LGMD-R12); MUSCULAR DYSTROPHY, LIMB-GIRDLE, AUTOSOMAL RECESSIVE 12. Identifiers: Orphanet 206549, MedGen C1969785, MONDO:0012652, OMIM 611307.
Gnathodiaphyseal dysplasia (GDD). Also called: GNATHODIAPHYSEAL SCLEROSIS; OSTEOGENESIS IMPERFECTA WITH UNUSUAL SKELETAL LESIONS. Identifiers: Orphanet 53697, MedGen C1833736, MONDO:0008151, OMIM 166260.

Submissions (3):

Labcorp Genetics (formerly Invitae), Labcorp
Classification: Uncertain significance for Autosomal recessive limb-girdle muscular dystrophy type 2L; Gnathodiaphyseal dysplasia. Last evaluated: 2022-04-15. Review status: criteria provided, single submitter. Criteria: Invitae Variant Classification Sherloc (09022015). Collection method: clinical testing. Allele origin: germline.
Comment: In summary, the available evidence is currently insufficient to determine the role of this variant in disease. Therefore, it has been classified as a Variant of Uncertain Significance. Algorithms developed to predict the effect of missense changes on protein structure and function are either unavailable or do not agree on the potential impact of this missense change (SIFT: "Tolerated"; PolyPhen-2: "Possibly Damaging"; Align-GVGD: "Class C0"). ClinVar contains an entry for this variant (Variation ID: 288186). This variant has not been reported in the literature in individuals affected with ANO5-related conditions. This variant is not present in population databases (gnomAD no frequency). This sequence change replaces glutamine, which is neutral and polar, with histidine, which is basic and polar, at codon 731 of the ANO5 protein (p.Gln731His).

Revvity Omics, Revvity
Classification: Uncertain significance. Last evaluated: 2019-01-31. Review status: criteria provided, single submitter. Criteria: ACMG Guidelines, 2015. Collection method: clinical testing. Allele origin: germline.

Eurofins Ntd Llc (ga)
Classification: Uncertain significance. Last evaluated: 2016-05-22. Review status: criteria provided, single submitter. Criteria: EGL Classification Definitions 2015. Collection method: clinical testing. Allele origin: germline. Observed: 1 variant allele, 1 heterozygote.

NM_213599.3(ANO5):c.2193A>C (p.Gln731His)

Gene: ANO5 (anoctamin 5; plus strand). Cytogenetic location: 11p14.3.
Variant type: single nucleotide variant.
Coding change: c.2193A>C on transcript NM_213599.3 (MANE Select); coding-DNA position 2193, A replaced by C.
Protein change: p.Gln731His; replaces glutamine 731 with histidine.
Molecular consequence: missense variant.
Genome position (GRCh38, 1-based): chr11:22,272,947, A>C. VCF-style: chr11-22272947-A-C. GRCh37 (hg19) VCF-style: chr11-22294493-A-C.
Other names: c.2193A>C (NM_213599.2); c.2190A>C, p.Gln730His (NM_001142649.2); short protein forms Q731H, Q730H.
Identifiers: ClinVar variation 288186 (VCV000288186.12), dbSNP rs745356431, ClinGen allele CA10605995.